The following is an entry in ClinVar:

ClinVar aggregate classification (germline): Uncertain significance (1 of 4 stars; one submission).

Conditions:
Inborn genetic diseases. Identifiers: MedGen C0950123, MeSH D030342.

Submission:

Ambry Genetics
Classification: Uncertain significance for Inborn genetic diseases. Last evaluated: 2025-01-19. Review status: criteria provided, single submitter. Criteria: Ambry Variant Classification Scheme 2023. Collection method: clinical testing. Allele origin: germline.
Comment: The p.T1268I variant (also known as c.3803C>T), located in coding exon 13 of the ASXL1 gene, results from a C to T substitution at nucleotide position 3803. The threonine at codon 1268 is replaced by isoleucine, an amino acid with similar properties. This amino acid position is conserved. In addition, this alteration is predicted to be tolerated by in silico analysis. Based on the available evidence, the clinical significance of this variant remains unclear.

NM_015338.6(ASXL1):c.3803C>T (p.Thr1268Ile)

Gene: ASXL1 (ASXL transcriptional regulator 1; plus strand). Cytogenetic location: 20q11.21.
Variant type: single nucleotide variant.
Coding change: c.3803C>T on transcript NM_015338.6 (MANE Select); coding-DNA position 3803, C replaced by T.
Protein change: p.Thr1268Ile; replaces threonine 1268 with isoleucine.
Molecular consequence: missense variant.
Genome position (GRCh38, 1-based): chr20:32,436,515, C>T. VCF-style: chr20-32436515-C-T. GRCh37 (hg19) VCF-style: chr20-31024318-C-T.
Other names: c.3620C>T, p.Thr1207Ile (NM_001363734.1); short protein forms T1268I, T1207I.
Identifiers: ClinVar variation 3792492 (VCV003792492.1).
Genomic context (GRCh38, chr20:32,436,515, plus strand): 5'-CTATGTCACAGGACAGTAATTCAAATGCTGCTCCAGGAAAGAGCCCAGGAGATCTTACTA[C>T]CTCGAGAACACCTCGTTTCTCATCTCCAAATGTGATCTCCTTTGGTCCAGAGCAGACAGG-3'
Protein context (NP_056153.2, residues 1258-1278): APGKSPGDLT[Thr1268Ile]SRTPRFSSPN